The following is an entry in ClinVar:

NM_001318525.2(TRAPPC2L):c.34-6T>C

Gene: TRAPPC2L (trafficking protein particle complex subunit 2L; plus strand). Cytogenetic location: 16q24.3.
Variant type: single nucleotide variant.
Coding change: c.34-6T>C on transcript NM_001318525.2 (MANE Select); 6 bases into the intron before coding-DNA position 34, T replaced by C.
Molecular consequence: intron variant.
Genome position (GRCh38, 1-based): chr16:88,858,613, T>C. VCF-style: chr16-88858613-T-C. GRCh37 (hg19) VCF-style: chr16-88925021-T-C.
Other names: c.34-6T>C (NM_001318524.2, NM_016209.5); c.-376-6T>C (NM_001318527.2, NM_001318529.2, NM_001318532.2); c.-34-29T>C (NM_001318528.2, NM_001318530.2); c.-62-29T>C (NM_001318526.2).
Identifiers: ClinVar variation 3031704 (VCV003031704.2), dbSNP rs894376468, ClinGen allele CA286411642.

ClinVar aggregate classification (germline): Likely benign (0 of 4 stars; one submission).

Conditions:
TRAPPC2L-related disorder. Also called: TRAPPC2L-related condition.

Allele frequency attached by ClinVar (database versions not stated): gnomAD exomes 0.00001; TOPMed 0.00001.
gnomAD v4.1: 4 of 1,611,762 alleles (0.00025%); highest among the groups gnomAD compares: Admixed American, 0.0017%; no homozygotes.

Submission:

PreventionGenetics, part of Exact Sciences
Classification: Likely benign for TRAPPC2L-related condition. Last evaluated: 2021-03-02. Review status: no assertion criteria provided. Collection method: clinical testing. Allele origin: germline.
Comment: This variant is classified as likely benign based on ACMG/AMP sequence variant interpretation guidelines (Richards et al. 2015 PMID: 25741868, with internal and published modifications).